The following is an entry in ClinVar:

NM_007118.4(TRIO):c.6153+1G>A

Gene: TRIO (trio Rho guanine nucleotide exchange factor; plus strand). Cytogenetic location: 5p15.2.
Variant type: single nucleotide variant.
Coding change: c.6153+1G>A on transcript NM_007118.4 (MANE Select); the canonical splice donor site of the intron after coding-DNA position 6153, G replaced by A.
Molecular consequence: splice donor variant.
Genome position (GRCh38, 1-based): chr5:14,476,964, G>A. VCF-style: chr5-14476964-G-A. GRCh37 (hg19) VCF-style: chr5-14477073-G-A.
Other names: c.6153+1G>A (NM_007118.2).
Identifiers: ClinVar variation 976095 (VCV000976095.7), dbSNP rs1755124330, ClinGen allele CA359232606.

ClinVar aggregate classification (germline): Pathogenic/Likely pathogenic. Review status: criteria provided, multiple submitters, no conflicts (2 of 4 stars). 6 submissions from 6 submitters: Pathogenic (1); Likely pathogenic (4). 1 of the submissions does not count toward it. Last evaluated 2026-05-05.

Conditions:
Inborn genetic diseases. Identifiers: MedGen C0950123, MeSH D030342.
Intellectual developmental disorder, autosomal dominant 44, with microcephaly. Also called: Micrognathia-recurrent infections-behavioral abnormalities-mild intellectual disability syndrome; TRIO-Related Intellectual Disability. Identifiers: Orphanet 476126, MedGen C4310740, MONDO:0014892, OMIM 617061.

Submissions (6):

GeneDx
Classification: Pathogenic. Last evaluated: 2026-05-05. Review status: criteria provided, single submitter. Criteria: GeneDx Variant Classification Process June 2021. Collection method: clinical testing. Allele origin: germline.
Comment: Canonical splice site variant predicted to result in a null allele in a gene for which loss of function is a known mechanism of disease; Not observed at significant frequency in large population cohorts (gnomAD); Has not been previously published as pathogenic or benign to our knowledge

Ambry Genetics
Classification: Likely pathogenic for Inborn genetic diseases. Last evaluated: 2025-09-09. Review status: criteria provided, single submitter. Criteria: Ambry Variant Classification Scheme 2023. Collection method: clinical testing. Allele origin: germline.
Comment: The c.6153+1G>A intronic variant results from a G to A substitution one nucleotide after coding exon 41 of the TRIO gene. Alterations that disrupt the canonical splice site are expected to cause aberrant splicing, resulting in an abnormal protein or a transcript that is subject to nonsense-mediated mRNA decay. for TRIO-related neurodevelopmental disorder with microcephaly; however, it is unlikely to be causative of TRIO-related neurodevelopmental disorder with macrocephaly. This variant was not reported in population-based cohorts in the Genome Aggregation Database (gnomAD). This nucleotide position is highly conserved in available vertebrate species. In silico splice site analysis predicts that this alteration will weaken the native splice donor site. Based on the available evidence, this alteration is classified as likely pathogenic.

Institute of Human Genetics, University of Leipzig Medical Center
Classification: Likely pathogenic for Intellectual developmental disorder, autosomal dominant 44, with microcephaly. Last evaluated: 2018-01-12. Review status: criteria provided, single submitter. Criteria: ACMG Guidelines, 2015. Collection method: clinical testing. Allele origin: germline. Affected: yes. Observed: 1 variant allele.

Centre de Biologie Pathologie Génétique, Centre Hospitalier Universitaire de Lille
Classification: Likely pathogenic for Intellectual developmental disorder, autosomal dominant 44, with microcephaly. Review status: criteria provided, single submitter. Criteria: ACMG Guidelines, 2015. Collection method: clinical testing. Allele origin: inherited. Affected: yes.

Clinical Genetics Service, Universitary Hospital 12 de Octubre
Classification: Likely pathogenic for Intellectual developmental disorder, autosomal dominant 44, with microcephaly. Review status: criteria provided, single submitter. Criteria: ACMG Guidelines, 2015. Collection method: clinical testing. Allele origin: maternal. Affected: yes.

Clinical Genetics Laboratory, University Hospital Schleswig-Holstein
Classification: Pathogenic for Intellectual developmental disorder, autosomal dominant 44, with microcephaly. Last evaluated: 2024-09-30. Review status: no assertion criteria provided. Collection method: clinical testing. Allele origin: paternal. Affected: yes. Not counted in ClinVar's aggregate classification.